The following is an entry in ClinVar:

NM_153209.4(KIF19):c.2517T>C (p.His839=)

Gene: KIF19 (kinesin family member 19; plus strand). Cytogenetic location: 17q25.1.
Variant type: single nucleotide variant.
Coding change: c.2517T>C on transcript NM_153209.4 (MANE Select); coding-DNA position 2517, T replaced by C.
Protein change: p.His839=; no amino-acid change (histidine 839 retained).
Molecular consequence: synonymous variant.
Genome position (GRCh38, 1-based): chr17:74,354,370, T>C. VCF-style: chr17-74354370-T-C. GRCh37 (hg19) VCF-style: chr17-72350509-T-C.
Identifiers: ClinVar variation 4873839 (VCV004873839.2).

ClinVar aggregate classification (germline): Likely benign (1 of 4 stars; one submission).

gnomAD v4.1: 1 of 1,608,882 alleles (0.000062%); highest among the groups gnomAD compares: African/African-American, 0.0013%; no homozygotes.

Submission:

CeGaT Center for Human Genetics Tuebingen
Classification: Likely benign. Last evaluated: 2026-05-01. Review status: criteria provided, single submitter. Criteria: CeGaT Center For Human Genetics Tuebingen Variant Classification Criteria Version 2. Collection method: clinical testing. Allele origin: germline. Affected: yes. Observed: 1 variant allele.
Comment: KIF19: BP4, BP7